The following is an entry in ClinVar:

ClinVar aggregate classification (germline): Uncertain significance. Review status: criteria provided, multiple submitters, no conflicts (2 of 4 stars). 2 submissions from 2 submitters: Uncertain significance (2). Last evaluated 2025-05-16.

Conditions:
Cardiovascular phenotype. Identifiers: MedGen CN230736.

Allele frequency attached by ClinVar (database versions not stated): gnomAD 0.00001; TOPMed 0.00001; 1000 Genomes Project 30x 0.00016; 1000 Genomes Project 0.00020.
gnomAD v4.1: 19 of 1,614,108 alleles (0.0012%); highest among the groups gnomAD compares: East Asian, 0.042%; no homozygotes.

Submissions (2):

Ambry Genetics
Classification: Uncertain significance for Cardiovascular phenotype. Last evaluated: 2025-05-16. Review status: criteria provided, single submitter. Criteria: Ambry Variant Classification Scheme 2023. Collection method: clinical testing. Allele origin: germline.
Comment: The p.I786N variant (also known as c.2357T>A), located in coding exon 18 of the MYH6 gene, results from a T to A substitution at nucleotide position 2357. The isoleucine at codon 786 is replaced by asparagine, an amino acid with dissimilar properties. This amino acid position is well conserved in available vertebrate species. In addition, the in silico prediction for this alteration is inconclusive. Based on the available evidence, the clinical significance of this variant remains unclear.

Women's Health and Genetics/Laboratory Corporation of America, LabCorp
Classification: Uncertain significance. Last evaluated: 2023-05-22. Review status: criteria provided, single submitter. Criteria: LabCorp Variant Classification Summary - May 2015. Collection method: clinical testing. Allele origin: germline.

NM_002471.4(MYH6):c.2357T>A (p.Ile786Asn)

Gene: MYH6 (myosin heavy chain 6; minus strand). Cytogenetic location: 14q11.2.
Variant type: single nucleotide variant.
Coding change: c.2357T>A on transcript NM_002471.4 (MANE Select); coding-DNA position 2357, T replaced by A.
Protein change: p.Ile786Asn; replaces isoleucine 786 with asparagine.
Molecular consequence: missense variant.
Genome position (GRCh38, 1-based): chr14:23,396,356, A>T on the plus strand (T>A on the coding strand, the complement: MYH6 is on the minus strand). VCF-style: chr14-23396356-A-T. GRCh37 (hg19) VCF-style: chr14-23865565-A-T.
Other names: short protein forms I786N.
Identifiers: ClinVar variation 2506281 (VCV002506281.2), dbSNP rs200229373, ClinGen allele CA7115493.